The following is an entry in ClinVar:

ClinVar aggregate classification (germline): Uncertain significance (1 of 4 stars; one submission).

Submission:

Dasa
Classification: Uncertain significance. Last evaluated: 2025-04-03. Review status: criteria provided, single submitter. Criteria: DASA Assertion Criteria. Collection method: clinical testing. Allele origin: germline.
Comment: NM_144573.4(NEXN):c.166dup (p.Arg56Lysfs*8) introduces a premature termination codon predicted to result in loss of normal protein function. Loss-of-function is an established mechanism of disease for this gene. Based on the available data, this variant is classified as variant of uncertain significance.

NM_144573.4(NEXN):c.166dup (p.Arg56fs)

Gene: NEXN (nexilin F-actin binding protein; plus strand). Cytogenetic location: 1p31.1.
Variant type: Duplication.
Coding change: c.166dup on transcript NM_144573.4 (MANE Select); coding-DNA position 166, one base duplicated (A; older notation c.166dupA).
Protein change: p.Arg56fs; shifts the reading frame from arginine 56.
Molecular consequence: frameshift variant. On other transcripts: intron variant (1).
Genome position (GRCh38, 1-based): chr1:77,917,704, A duplicated; the last of 3 consecutive A bases (chr1:77,917,702-77,917,704); duplicating any one gives the same sequence. VCF-style (leftmost placement, unchanged base first): chr1-77917701-C-CA. GRCh37 (hg19) VCF-style: chr1-78383386-C-CA.
Other names: c.28-256dup (NM_001172309.2); short protein forms R56fs.
Identifiers: ClinVar variation 4851832 (VCV004851832.1).